The following is an entry in ClinVar:

NM_001453.3(FOXC1):c.454T>G (p.Trp152Gly)

Gene: FOXC1 (forkhead box C1; plus strand). Cytogenetic location: 6p25.3.
Variant type: single nucleotide variant.
Coding change: c.454T>G on transcript NM_001453.3 (MANE Select); coding-DNA position 454, T replaced by G.
Protein change: p.Trp152Gly; replaces tryptophan 152 with glycine.
Molecular consequence: missense variant.
Genome position (GRCh38, 1-based): chr6:1,610,899, T>G. VCF-style: chr6-1610899-T-G. GRCh37 (hg19) VCF-style: chr6-1611134-T-G.
Other names: short protein forms W152G.
Identifiers: ClinVar variation 2136126 (VCV002136126.2), dbSNP rs2113111766, ClinGen allele CA362558858.

ClinVar aggregate classification (germline): Likely pathogenic (1 of 4 stars; one submission).

Submission:

GeneDx
Classification: Likely pathogenic. Last evaluated: 2023-06-22. Review status: criteria provided, single submitter. Criteria: GeneDx Variant Classification Process June 2021. Collection method: clinical testing. Allele origin: germline. Affected: yes.
Comment: Published functional studies demonstrate a damaging effect: a loss of protein function and mislocalization (Ito et al., 2009); Identified in a patient with bilateral megalocornea and opacity, aniridia, and congenital glaucoma in the published literature (Ito et al., 2009); Not observed at significant frequency in large population cohorts (gnomAD); This variant is associated with the following publications: (PMID: 24556684, 19279310)